The following is an entry in ClinVar:

ClinVar aggregate classification (germline): Likely benign (0 of 4 stars; one submission).

Conditions:
DAO-related disorder. Also called: DAO-related condition.

Allele frequency attached by ClinVar (database versions not stated): ExAC 0.00027; TOPMed 0.00029; ESP Exome Variant Server 0.00031.
gnomAD v4.1: 390 of 1,613,948 alleles (0.024%); highest among the groups gnomAD compares: Admixed American, 0.038%; no homozygotes.

Submission:

PreventionGenetics, part of Exact Sciences
Classification: Likely benign for DAO-related condition. Last evaluated: 2022-06-16. Review status: no assertion criteria provided. Collection method: clinical testing. Allele origin: germline.
Comment: This variant is classified as likely benign based on ACMG/AMP sequence variant interpretation guidelines (Richards et al. 2015 PMID: 25741868, with internal and published modifications).

NM_001917.5(DAO):c.268T>G (p.Phe90Val)

Gene: DAO (D-amino acid oxidase; plus strand). Cytogenetic location: 12q24.11.
Variant type: single nucleotide variant.
Coding change: c.268T>G on transcript NM_001917.5 (MANE Select); coding-DNA position 268, T replaced by G.
Protein change: p.Phe90Val; replaces phenylalanine 90 with valine.
Molecular consequence: missense variant.
Genome position (GRCh38, 1-based): chr12:108,887,523, T>G. VCF-style: chr12-108887523-T-G. GRCh37 (hg19) VCF-style: chr12-109281299-T-G.
Other names: c.268T>G, p.Phe90Val (NM_001413634.1, NM_001413635.1); short protein forms F90V.
Identifiers: ClinVar variation 3035857 (VCV003035857.2), dbSNP rs146917361, ClinGen allele CA6771019.